The following is an entry in ClinVar:

NM_019032.6(ADAMTSL4):c.1004C>T (p.Pro335Leu)

Genes: ADAMTSL4 (ADAMTS like 4; plus strand), ADAMTSL4-AS2 (ADAMTSL4 antisense RNA 2; minus strand). Cytogenetic location: 1q21.2.
Variant type: single nucleotide variant.
Coding change: c.1004C>T on transcript NM_019032.6 (MANE Select); coding-DNA position 1004, C replaced by T.
Protein change: p.Pro335Leu; replaces proline 335 with leucine.
Molecular consequence: missense variant.
Genome position (GRCh38, 1-based): chr1:150,553,995, C>T. VCF-style: chr1-150553995-C-T. GRCh37 (hg19) VCF-style: chr1-150526471-C-T.
Other names: c.1004C>T (NM_019032.4); c.1004C>T, p.Pro335Leu (NM_001288607.2, NM_001288608.2, NM_001378596.1 and 1 more transcripts); short protein forms P335L.
Identifiers: ClinVar variation 1422473 (VCV001422473.4), dbSNP rs373492306, ClinGen allele CA1078096.

ClinVar aggregate classification (germline): Uncertain significance. Review status: criteria provided, multiple submitters, no conflicts (2 of 4 stars). 2 submissions from 2 submitters: Uncertain significance (2). Last evaluated 2025-08-11.

Conditions:
Inborn genetic diseases. Identifiers: MedGen C0950123, MeSH D030342.

Allele frequency attached by ClinVar (database versions not stated): gnomAD exomes 0.00003 and 0.00004; TOPMed 0.00003; gnomAD 0.00004; ExAC 0.00006; ESP Exome Variant Server 0.00008.

Submissions (2):

Ambry Genetics
Classification: Uncertain significance for Inborn genetic diseases. Last evaluated: 2025-08-11. Review status: criteria provided, single submitter. Criteria: Ambry Variant Classification Scheme 2023. Collection method: clinical testing. Allele origin: germline.

Labcorp Genetics (formerly Invitae), Labcorp
Classification: Uncertain significance. Last evaluated: 2022-07-01. Review status: criteria provided, single submitter. Criteria: Invitae Variant Classification Sherloc (09022015). Collection method: clinical testing. Allele origin: germline.
Comment: This sequence change replaces proline, which is neutral and non-polar, with leucine, which is neutral and non-polar, at codon 335 of the ADAMTSL4 protein (p.Pro335Leu). This variant is present in population databases (rs373492306, gnomAD 0.02%). This variant has not been reported in the literature in individuals affected with ADAMTSL4-related conditions. ClinVar contains an entry for this variant (Variation ID: 1422473). Algorithms developed to predict the effect of missense changes on protein structure and function output the following: SIFT: "Deleterious"; PolyPhen-2: "Benign"; Align-GVGD: "Class C15". The leucine amino acid residue is found in multiple mammalian species, which suggests that this missense change does not adversely affect protein function. In summary, the available evidence is currently insufficient to determine the role of this variant in disease. Therefore, it has been classified as a Variant of Uncertain Significance.